The following is an entry in ClinVar:

NM_031407.7(HUWE1):c.5809G>C (p.Val1937Leu)

Gene: HUWE1 (HECT, UBA and WWE domain containing E3 ubiquitin protein ligase 1; minus strand). Cytogenetic location: Xp11.22.
Variant type: single nucleotide variant.
Coding change: c.5809G>C on transcript NM_031407.7 (MANE Select); coding-DNA position 5809, G replaced by C.
Protein change: p.Val1937Leu; replaces valine 1937 with leucine.
Molecular consequence: missense variant.
Genome position (GRCh38, 1-based): chrX:53,576,975, C>G on the plus strand (G>C on the coding strand, the complement: HUWE1 is on the minus strand). VCF-style: chrX-53576975-C-G. GRCh37 (hg19) VCF-style: chrX-53603935-C-G.
Other names: short protein forms V1937L.
Identifiers: ClinVar variation 985156 (VCV000985156.6), dbSNP rs139776182, ClinGen allele CA329195409.

ClinVar aggregate classification (germline): Uncertain significance. Review status: criteria provided, multiple submitters, no conflicts (2 of 4 stars). 2 submissions from 2 submitters: Uncertain significance (2). Last evaluated 2023-04-16.

Conditions:
Inborn genetic diseases. Identifiers: MedGen C0950123, MeSH D030342.

Allele frequency attached by ClinVar (database versions not stated): gnomAD exomes below 0.00001; TOPMed 0.00001; ESP Exome Variant Server 0.00009.

Submissions (2):

Labcorp Genetics (formerly Invitae), Labcorp
Classification: Uncertain significance. Last evaluated: 2023-04-16. Review status: criteria provided, single submitter. Criteria: Invitae Variant Classification Sherloc (09022015). Collection method: clinical testing. Allele origin: germline.
Comment: This variant is not present in population databases (gnomAD no frequency). This sequence change replaces valine, which is neutral and non-polar, with leucine, which is neutral and non-polar, at codon 1937 of the HUWE1 protein (p.Val1937Leu). This variant has not been reported in the literature in individuals affected with HUWE1-related conditions. Advanced modeling of protein sequence and biophysical properties (such as structural, functional, and spatial information, amino acid conservation, physicochemical variation, residue mobility, and thermodynamic stability) performed at Invitae indicates that this missense variant is not expected to disrupt HUWE1 protein function. ClinVar contains an entry for this variant (Variation ID: 985156). In summary, the available evidence is currently insufficient to determine the role of this variant in disease. Therefore, it has been classified as a Variant of Uncertain Significance.

Ambry Genetics
Classification: Uncertain significance for Inborn genetic diseases. Last evaluated: 2017-10-12. Review status: criteria provided, single submitter. Criteria: Ambry exome assertion method (8-5-2015). Collection method: clinical testing. Allele origin: germline. Affected: yes. Observed: 1 variant allele.